The following is an entry in ClinVar:

ClinVar aggregate classification (germline): Uncertain significance. Review status: criteria provided, multiple submitters, no conflicts (2 of 4 stars). 3 submissions from 3 submitters: Uncertain significance (3). Last evaluated 2024-03-21.

Conditions:
Fanconi anemia complementation group P. Also called: SLX4-Related Fanconi Anemia. Identifiers: Orphanet 84, MedGen C3469542, MONDO:0013499, OMIM 613951.
Fanconi anemia (FA). Also called: Fanconi's anemia. Identifiers: Orphanet 84, MedGen C0015625, MeSH D005199, MONDO:0019391.

Submissions (3):

Fulgent Genetics
Classification: Uncertain significance for Fanconi anemia complementation group P. Last evaluated: 2024-03-21. Review status: criteria provided, single submitter. Criteria: ACMG Guidelines, 2015. Collection method: clinical testing. Allele origin: germline.

Labcorp Genetics (formerly Invitae), Labcorp
Classification: Uncertain significance for Fanconi anemia. Last evaluated: 2022-08-23. Review status: criteria provided, single submitter. Criteria: Invitae Variant Classification Sherloc (09022015). Collection method: clinical testing. Allele origin: germline.
Comment: This variant has not been reported in the literature in individuals affected with SLX4-related conditions. This variant is not present in population databases (gnomAD no frequency). This sequence change replaces arginine, which is basic and polar, with glycine, which is neutral and non-polar, at codon 399 of the SLX4 protein (p.Arg399Gly). ClinVar contains an entry for this variant (Variation ID: 1046536). In summary, the available evidence is currently insufficient to determine the role of this variant in disease. Therefore, it has been classified as a Variant of Uncertain Significance. Algorithms developed to predict the effect of missense changes on protein structure and function (SIFT, PolyPhen-2, Align-GVGD) all suggest that this variant is likely to be tolerated.

Blueprint Genetics
Classification: Uncertain significance. Last evaluated: 2022-02-12. Review status: criteria provided, single submitter. Criteria: ACMG Guidelines, 2015. Collection method: clinical testing. Allele origin: germline.

NM_032444.4(SLX4):c.1195A>G (p.Arg399Gly)

Gene: SLX4 (SLX4 structure-specific endonuclease subunit; minus strand). Cytogenetic location: 16p13.3.
Variant type: single nucleotide variant.
Coding change: c.1195A>G on transcript NM_032444.4 (MANE Select); coding-DNA position 1195, A replaced by G.
Protein change: p.Arg399Gly; replaces arginine 399 with glycine.
Molecular consequence: missense variant.
Genome position (GRCh38, 1-based): chr16:3,597,968, T>C on the plus strand (A>G on the coding strand, the complement: SLX4 is on the minus strand). VCF-style: chr16-3597968-T-C. GRCh37 (hg19) VCF-style: chr16-3647969-T-C.
Other names: short protein forms R399G.
Identifiers: ClinVar variation 1046536 (VCV001046536.12), dbSNP rs2040685339, ClinGen allele CA394529865.